The following is an entry in ClinVar:

ClinVar aggregate classification (germline): Uncertain significance (1 of 4 stars; one submission).

Allele frequency attached by ClinVar (database versions not stated): gnomAD exomes below 0.00001; ExAC 0.00002.
gnomAD v4.1: 2 of 1,614,012 alleles (0.00012%); highest among the groups gnomAD compares: Non-Finnish European, 0.00017%; no homozygotes.

Submission:

Labcorp Genetics (formerly Invitae), Labcorp
Classification: Uncertain significance. Last evaluated: 2022-03-12. Review status: criteria provided, single submitter. Criteria: Invitae Variant Classification Sherloc (09022015). Collection method: clinical testing. Allele origin: germline.
Comment: In summary, the available evidence is currently insufficient to determine the role of this variant in disease. Therefore, it has been classified as a Variant of Uncertain Significance. Algorithms developed to predict the effect of missense changes on protein structure and function are either unavailable or do not agree on the potential impact of this missense change (SIFT: "Deleterious"; PolyPhen-2: "Probably Damaging"; Align-GVGD: "Class C0"). This variant has not been reported in the literature in individuals affected with HMCN1-related conditions. This variant is present in population databases (rs755219756, gnomAD 0.003%). This sequence change replaces threonine, which is neutral and polar, with asparagine, which is neutral and polar, at codon 1052 of the HMCN1 protein (p.Thr1052Asn).

NM_031935.3(HMCN1):c.3155C>A (p.Thr1052Asn)

Gene: HMCN1 (hemicentin 1; plus strand). Cytogenetic location: 1q31.1.
Variant type: single nucleotide variant.
Coding change: c.3155C>A on transcript NM_031935.3 (MANE Select); coding-DNA position 3155, C replaced by A.
Protein change: p.Thr1052Asn; replaces threonine 1052 with asparagine.
Molecular consequence: missense variant.
Genome position (GRCh38, 1-based): chr1:185,989,594, C>A. VCF-style: chr1-185989594-C-A. GRCh37 (hg19) VCF-style: chr1-185958726-C-A.
Other names: short protein forms T1052N.
Identifiers: ClinVar variation 2110223 (VCV002110223.4), dbSNP rs755219756, ClinGen allele CA1291631.